The following is an entry in ClinVar:

NM_014484.5(MOCS3):c.886G>T (p.Asp296Tyr)

Gene: MOCS3 (molybdenum cofactor synthesis 3; plus strand). Cytogenetic location: 20q13.13.
Variant type: single nucleotide variant.
Coding change: c.886G>T on transcript NM_014484.5 (MANE Select); coding-DNA position 886, G replaced by T.
Protein change: p.Asp296Tyr; replaces aspartic acid 296 with tyrosine.
Molecular consequence: missense variant.
Genome position (GRCh38, 1-based): chr20:50,959,728, G>T. VCF-style: chr20-50959728-G-T. GRCh37 (hg19) VCF-style: chr20-49576265-G-T.
Other names: c.886G>T (NM_014484.3); short protein forms D296Y.
Identifiers: ClinVar variation 2171298 (VCV002171298.5), dbSNP rs763037031, ClinGen allele CA9909496.

ClinVar aggregate classification (germline): Uncertain significance. Review status: criteria provided, multiple submitters, no conflicts (2 of 4 stars). 2 submissions from 2 submitters: Uncertain significance (2). Last evaluated 2025-05-07.

Allele frequency attached by ClinVar (database versions not stated): ExAC 0.00002; gnomAD 0.00002; TOPMed 0.00002.
gnomAD v4.1: 52 of 1,614,236 alleles (0.0032%); highest among the groups gnomAD compares: Middle Eastern, 0.099%; no homozygotes.

Submissions (2):

Labcorp Genetics (formerly Invitae), Labcorp
Classification: Uncertain significance. Last evaluated: 2025-05-07. Review status: criteria provided, single submitter. Criteria: Invitae Variant Classification Sherloc (09022015). Collection method: clinical testing. Allele origin: germline.
Comment: This sequence change replaces aspartic acid, which is acidic and polar, with tyrosine, which is neutral and polar, at codon 296 of the MOCS3 protein (p.Asp296Tyr). This variant is present in population databases (rs763037031, gnomAD 0.003%). This variant has not been reported in the literature in individuals affected with MOCS3-related conditions. ClinVar contains an entry for this variant (Variation ID: 2171298). An algorithm developed to predict the effect of missense changes on protein structure and function (PolyPhen-2) suggests that this variant is likely to be disruptive. In summary, the available evidence is currently insufficient to determine the role of this variant in disease. Therefore, it has been classified as a Variant of Uncertain Significance.

Ambry Genetics
Classification: Uncertain significance. Last evaluated: 2024-01-30. Review status: criteria provided, single submitter. Criteria: Ambry Variant Classification Scheme 2023. Collection method: clinical testing. Allele origin: germline.